The following is an entry in ClinVar:

ClinVar aggregate classification (germline): Uncertain significance (1 of 4 stars; one submission).

Conditions:
Myofibrillar myopathy 5. Also called: Filaminopathy (type); FILAMINOPATHY, AUTOSOMAL DOMINANT. Identifiers: Orphanet 171445, MedGen C1836050, MONDO:0012289, OMIM 609524.
Hypertrophic cardiomyopathy 26. Also called: Cardiomyopathy, familial hypertrophic, 26. Identifiers: Orphanet 75249, MedGen C4310749, MONDO:0014883, OMIM 617047.
Distal myopathy with posterior leg and anterior hand involvement. Also called: WILLIAMS DISTAL MYOPATHY. Identifiers: Orphanet 63273, MedGen C3279722, MONDO:0013550, OMIM 614065.

Allele frequency attached by ClinVar (database versions not stated): TOPMed 0.00002.
gnomAD v4.1: 1 of 1,613,894 alleles (0.000062%); no homozygotes.

Submission:

Labcorp Genetics (formerly Invitae), Labcorp
Classification: Uncertain significance for Distal myopathy with posterior leg and anterior hand involvement; Myofibrillar myopathy 5; Hypertrophic cardiomyopathy 26. Last evaluated: 2023-10-13. Review status: criteria provided, single submitter. Criteria: Invitae Variant Classification Sherloc (09022015). Collection method: clinical testing. Allele origin: germline.
Comment: This sequence change replaces glycine, which is neutral and non-polar, with alanine, which is neutral and non-polar, at codon 2073 of the FLNC protein (p.Gly2073Ala). This variant is not present in population databases (gnomAD no frequency). This variant has not been reported in the literature in individuals affected with FLNC-related conditions. ClinVar contains an entry for this variant (Variation ID: 1034582). Advanced modeling of protein sequence and biophysical properties (such as structural, functional, and spatial information, amino acid conservation, physicochemical variation, residue mobility, and thermodynamic stability) has been performed at Invitae for this missense variant, however the output from this modeling did not meet the statistical confidence thresholds required to predict the impact of this variant on FLNC protein function. In summary, the available evidence is currently insufficient to determine the role of this variant in disease. Therefore, it has been classified as a Variant of Uncertain Significance.

NM_001458.5(FLNC):c.6218G>C (p.Gly2073Ala)

Genes: FLNC-AS1 (FLNC antisense RNA 1; minus strand), FLNC (filamin C; plus strand). Cytogenetic location: 7q32.1.
Variant type: single nucleotide variant.
Coding change: c.6218G>C on transcript NM_001458.5 (MANE Select); coding-DNA position 6218, G replaced by C.
Protein change: p.Gly2073Ala; replaces glycine 2073 with alanine.
Molecular consequence: missense variant.
Genome position (GRCh38, 1-based): chr7:128,853,478, G>C. VCF-style: chr7-128853478-G-C. GRCh37 (hg19) VCF-style: chr7-128493532-G-C.
Other names: c.6119G>C, p.Gly2040Ala (NM_001127487.2); short protein forms G2073A, G2040A.
Identifiers: ClinVar variation 1034582 (VCV001034582.9), dbSNP rs922864783, ClinGen allele CA166190594.